The following is an entry in ClinVar:

ClinVar aggregate classification (germline): Uncertain significance. Review status: criteria provided, multiple submitters, no conflicts (2 of 4 stars). 2 submissions from 2 submitters: Uncertain significance (2). Last evaluated 2023-03-23.

Conditions:
Niemann-Pick disease, type C1. Also called: NIEMANN-PICK DISEASE, VARIANT TYPE C1; NEUROVISCERAL STORAGE DISEASE WITH VERTICAL SUPRANUCLEAR OPHTHALMOPLEGIA; NIEMANN-PICK DISEASE WITH CHOLESTEROL ESTERIFICATION BLOCK; NIEMANN-PICK DISEASE WITHOUT SPHINGOMYELINASE DEFICIENCY; NIEMANN-PICK DISEASE, CHRONIC NEURONOPATHIC FORM. Identifiers: Orphanet 646, MedGen C3179455, MONDO:0009757, OMIM 257220.

Submissions (2):

Centre of Medical Genetics, University Hospital Muenster
Classification: Uncertain significance. Last evaluated: 2023-03-23. Review status: criteria provided, single submitter. Criteria: ACMG Guidelines, 2015. Collection method: clinical testing. Allele origin: unknown. Affected: yes. Observed: 1 variant allele, 1 heterozygote.
Comment: ACMG categories: PM2

Neuberg Centre For Genomic Medicine, NCGM
Classification: Uncertain significance for Niemann-Pick disease, type C1. Review status: criteria provided, single submitter. Criteria: ACMG Guidelines, 2015. Collection method: clinical testing. Allele origin: germline. Inheritance: Autosomal recessive inheritance. Affected: yes.
Comment: The observed splice region c.2604+4A>G variant in NPC1 gene has not been reported previously as a pathogenic variant nor as a benign variant, to our knowledge. The c.2604+4A>G variant is absent in gnomAD Exomes. This variant has been submitted to the ClinVar database as Uncertain Significance. SpliceAI predicts this variant to cause splice donor loss (score-0.58). For these reasons, this variant has been classified as Variant of Uncertain Significance (VUS).

NM_000271.5(NPC1):c.2604+4A>G

Gene: NPC1 (NPC intracellular cholesterol transporter 1; minus strand). Cytogenetic location: 18q11.2.
Variant type: single nucleotide variant.
Coding change: c.2604+4A>G on transcript NM_000271.5 (MANE Select); 4 bases into the intron after coding-DNA position 2604, A replaced by G.
Molecular consequence: intron variant.
Genome position (GRCh38, 1-based): chr18:23,540,444, T>C on the plus strand (A>G on the coding strand, the complement: NPC1 is on the minus strand). VCF-style: chr18-23540444-T-C. GRCh37 (hg19) VCF-style: chr18-21120408-T-C.
Identifiers: ClinVar variation 2504148 (VCV002504148.3), dbSNP rs2511217754, ClinGen allele CA2580613287.
Genomic context (GRCh38, chr18:23,540,444, plus strand): 5'-TTGAAAAATGTATTCATCATCAGCTAAAGAAGTTAAAAAAAAAAAAAAAAGGAAGTCATC[T>C]TACATCTGGCATCGAAAGAGACTGATCCAATCCAATATCTACTTTGTTCAGGACTGCGAT-3'